The following is an entry in ClinVar:

NM_001135998.3(NDUFB11):c.255G>C (p.Trp85Cys)

Gene: NDUFB11 (NADH:ubiquinone oxidoreductase subunit B11; minus strand). Cytogenetic location: Xp11.3.
Variant type: single nucleotide variant.
Coding change: c.255G>C on transcript NM_001135998.3 (MANE Select); coding-DNA position 255, G replaced by C.
Protein change: p.Trp85Cys; replaces tryptophan 85 with cysteine.
Molecular consequence: missense variant.
Genome position (GRCh38, 1-based): chrX:47,142,697, C>G on the plus strand (G>C on the coding strand, the complement: NDUFB11 is on the minus strand). VCF-style: chrX-47142697-C-G. GRCh37 (hg19) VCF-style: chrX-47002096-C-G.
Other names: c.255G>C, p.Trp85Cys (NM_019056.7); short protein forms W85C.
Identifiers: ClinVar variation 788165 (VCV000788165.6), dbSNP rs10530, ClinGen allele CA10394918.

ClinVar aggregate classification (germline): Benign/Likely benign. Review status: criteria provided, multiple submitters, no conflicts (2 of 4 stars). 2 submissions from 2 submitters: Benign (1); Likely benign (1). Last evaluated 2025-09-08.

Conditions:
NDUFB11-related disorders. Also called: NDUFB11-related condition; NDUFB11-related disorder. Identifiers: MedGen CN378754, MONDO:1040023.

Allele frequency attached by ClinVar (database versions not stated): TOPMed below 0.00001; gnomAD 0.00003; gnomAD exomes 0.00008 and 0.00015; ExAC 0.00014; 1000 Genomes Project 0.00053; 1000 Genomes Project 30x 0.00062.

Submissions (2):

PreventionGenetics, part of Exact Sciences
Classification: Likely benign for NDUFB11-related condition. Last evaluated: 2025-09-08. Review status: criteria provided, single submitter. Criteria: ACMG Guidelines, 2015. Collection method: clinical testing. Allele origin: germline.
Comment: This variant is classified as likely benign based on ACMG/AMP sequence variant interpretation guidelines (Richards et al. 2015 PMID: 25741868, with internal and published modifications).

Labcorp Genetics (formerly Invitae), Labcorp
Classification: Benign. Last evaluated: 2024-10-31. Review status: criteria provided, single submitter. Criteria: Invitae Variant Classification Sherloc (09022015). Collection method: clinical testing. Allele origin: germline.